The following is an entry in ClinVar:

ClinVar aggregate classification (germline): Uncertain significance (1 of 4 stars; one submission).

Conditions:
Cardiovascular phenotype. Identifiers: MedGen CN230736.

gnomAD v4.1: 9 of 1,612,782 alleles (0.00056%); highest among the groups gnomAD compares: Non-Finnish European, 0.00076%; no homozygotes.

Submission:

Ambry Genetics
Classification: Uncertain significance for Cardiovascular phenotype. Last evaluated: 2023-03-29. Review status: criteria provided, single submitter. Criteria: Ambry Variant Classification Scheme 2023. Collection method: clinical testing. Allele origin: germline.
Comment: The p.N423K variant (also known as c.1269C>A), located in coding exon 10 of the SOS1 gene, results from a C to A substitution at nucleotide position 1269. The asparagine at codon 423 is replaced by lysine, an amino acid with similar properties. This amino acid position is highly conserved in available vertebrate species. In addition, this alteration is predicted to be tolerated by in silico analysis. Since supporting evidence is limited at this time, the clinical significance of this alteration remains unclear.

NM_005633.4(SOS1):c.1269C>A (p.Asn423Lys)

Gene: SOS1 (SOS Ras/Rac guanine nucleotide exchange factor 1; minus strand). Cytogenetic location: 2p22.1.
Variant type: single nucleotide variant.
Coding change: c.1269C>A on transcript NM_005633.4 (MANE Select); coding-DNA position 1269, C replaced by A.
Protein change: p.Asn423Lys; replaces asparagine 423 with lysine.
Molecular consequence: missense variant.
Genome position (GRCh38, 1-based): chr2:39,023,159, G>T on the plus strand (C>A on the coding strand, the complement: SOS1 is on the minus strand). VCF-style: chr2-39023159-G-T. GRCh37 (hg19) VCF-style: chr2-39250300-G-T.
Other names: c.1248C>A, p.Asn416Lys (NM_001382394.1); c.1269C>A, p.Asn423Lys (NM_001382395.1); short protein forms N416K, N423K.
Identifiers: ClinVar variation 2567927 (VCV002567927.2), dbSNP rs138459502, ClinGen allele CA346366560.